The following is an entry in ClinVar:

NM_001184880.2(PCDH19):c.766C>T (p.Pro256Ser)

Gene: PCDH19 (protocadherin 19; minus strand). Cytogenetic location: Xq22.1.
Variant type: single nucleotide variant.
Coding change: c.766C>T on transcript NM_001184880.2 (MANE Select); coding-DNA position 766, C replaced by T.
Protein change: p.Pro256Ser; replaces proline 256 with serine.
Molecular consequence: missense variant.
Genome position (GRCh38, 1-based): chrX:100,407,832, G>A on the plus strand (C>T on the coding strand, the complement: PCDH19 is on the minus strand). VCF-style: chrX-100407832-G-A. GRCh37 (hg19) VCF-style: chrX-99662830-G-A.
Other names: c.766C>T, p.Pro256Ser (NM_001105243.2, NM_020766.3); short protein forms P256S.
Identifiers: ClinVar variation 3636301 (VCV003636301.2).

ClinVar aggregate classification (germline): Uncertain significance (1 of 4 stars; one submission).

Conditions:
Developmental and epileptic encephalopathy, 9 (DEE9). Also called: Early infantile epileptic encephalopathy 9; EPILEPSY, FEMALE-RESTRICTED, WITH MENTAL RETARDATION; PCDH19-Related X-Linked Female-Limited Epilepsy with Mental Retardation; JUBERG-HELLMAN SYNDROME. Identifiers: Orphanet 101039, Orphanet 2076, MedGen C1848137, MONDO:0010246, OMIM 300088. Disease mechanism: loss of function.

Submission:

Labcorp Genetics (formerly Invitae), Labcorp
Classification: Uncertain significance for Developmental and epileptic encephalopathy, 9. Last evaluated: 2024-02-20. Review status: criteria provided, single submitter. Criteria: Invitae Variant Classification Sherloc (09022015). Collection method: clinical testing. Allele origin: germline.
Comment: This sequence change replaces proline, which is neutral and non-polar, with serine, which is neutral and polar, at codon 256 of the PCDH19 protein (p.Pro256Ser). This variant is not present in population databases (gnomAD no frequency). This variant has not been reported in the literature in individuals affected with PCDH19-related conditions. Advanced modeling of protein sequence and biophysical properties (such as structural, functional, and spatial information, amino acid conservation, physicochemical variation, residue mobility, and thermodynamic stability) performed at Invitae indicates that this missense variant is not expected to disrupt PCDH19 protein function with a negative predictive value of 95%. In summary, the available evidence is currently insufficient to determine the role of this variant in disease. Therefore, it has been classified as a Variant of Uncertain Significance.